The following is an entry in ClinVar:

NM_004260.4(RECQL4):c.2303T>G (p.Val768Gly)

Gene: RECQL4 (RecQ like helicase 4; minus strand). Cytogenetic location: 8q24.3.
Variant type: single nucleotide variant.
Coding change: c.2303T>G on transcript NM_004260.4 (MANE Select); coding-DNA position 2303, T replaced by G.
Protein change: p.Val768Gly; replaces valine 768 with glycine.
Molecular consequence: missense variant.
Genome position (GRCh38, 1-based): chr8:144,513,378, A>C on the plus strand (T>G on the coding strand, the complement: RECQL4 is on the minus strand). VCF-style: chr8-144513378-A-C. GRCh37 (hg19) VCF-style: chr8-145738761-A-C.
Other names: short protein forms V768G.
Identifiers: ClinVar variation 963238 (VCV000963238.5), dbSNP rs370863264, ClinGen allele CA372678384.

ClinVar aggregate classification (germline): Uncertain significance (1 of 4 stars; one submission).

Conditions:
Baller-Gerold syndrome (BGS). Also called: CRANIOSYNOSTOSIS WITH RADIAL DEFECTS. Identifiers: Orphanet 1225, MedGen C0265308, MONDO:0009039, OMIM 218600.

gnomAD v4.1: 1 of 1,607,018 alleles (0.000062%); highest among the groups gnomAD compares: Admixed American, 0.0017%; no homozygotes.

Submission:

Labcorp Genetics (formerly Invitae), Labcorp
Classification: Uncertain significance for Baller-Gerold syndrome. Last evaluated: 2024-10-24. Review status: criteria provided, single submitter. Criteria: Invitae Variant Classification Sherloc (09022015). Collection method: clinical testing. Allele origin: germline.
Comment: This sequence change replaces valine, which is neutral and non-polar, with glycine, which is neutral and non-polar, at codon 768 of the RECQL4 protein (p.Val768Gly). This variant is not present in population databases (gnomAD no frequency). This variant has not been reported in the literature in individuals affected with RECQL4-related conditions. ClinVar contains an entry for this variant (Variation ID: 963238). Invitae Evidence Modeling of protein sequence and biophysical properties (such as structural, functional, and spatial information, amino acid conservation, physicochemical variation, residue mobility, and thermodynamic stability) indicates that this missense variant is expected to disrupt RECQL4 protein function with a positive predictive value of 80%. In summary, the available evidence is currently insufficient to determine the role of this variant in disease. Therefore, it has been classified as a Variant of Uncertain Significance.